The following is an entry in ClinVar:

ClinVar aggregate classification (germline): Uncertain significance (1 of 4 stars; one submission).

Submission:

Labcorp Genetics (formerly Invitae), Labcorp
Classification: Uncertain significance. Last evaluated: 2023-04-03. Review status: criteria provided, single submitter. Criteria: Invitae Variant Classification Sherloc (09022015). Collection method: clinical testing. Allele origin: germline.
Comment: In summary, the available evidence is currently insufficient to determine the role of this variant in disease. Therefore, it has been classified as a Variant of Uncertain Significance. This variant has not been reported in the literature in individuals affected with ARHGEF10-related conditions. This variant is a gross deletion of the genomic region encompassing exon(s) 27 of the ARHGEF10 gene. This deletion is out-of-frame, and is expected to create a premature translational stop signal and result in an absent or disrupted protein product. However, the current clinical and genetic evidence is not sufficient to establish whether loss-of-function variants in ARHGEF10 cause disease.

NC_000008.10:g.(?_1893627)_(1893841_?)del

Gene: ARHGEF10 (Rho guanine nucleotide exchange factor 10; plus strand). Cytogenetic location: 8p23.3.
Variant type: Deletion.
Identifiers: ClinVar variation 1473868 (VCV001473868.7).